The following is an entry in ClinVar:

NM_001378454.1(ALMS1):c.8669_8672delinsTCTCACT (p.Gln2890_Ser2891delinsLeuSerLeu)

Gene: ALMS1 (ALMS1 centrosome and basal body associated protein; plus strand). Cytogenetic location: 2p13.1.
Variant type: Indel.
Coding change: c.8669_8672delinsTCTCACT on transcript NM_001378454.1 (MANE Select); coding-DNA positions 8669 to 8672, AAAG replaced by TCTCACT.
Protein change: p.Gln2890_Ser2891delinsLeuSerLeu.
Molecular consequence: inframe indel.
Genome position (GRCh38, 1-based): chr2:73,490,628-73,490,631, AAAG replaced by TCTCACT. VCF-style: chr2-73490628-AAAG-TCTCACT. GRCh37 (hg19) VCF-style: chr2-73717755-AAAG-TCTCACT.
Other names: c.8672_8675delinsTCTCACT, p.Gln2891_Ser2892delinsLeuSerLeu (NM_015120.4).
Identifiers: ClinVar variation 1913261 (VCV001913261.5), dbSNP rs2466216999, ClinGen allele CA2580068270.

ClinVar aggregate classification (germline): Uncertain significance (1 of 4 stars; one submission).

Conditions:
Alstrom syndrome (ALMS). Identifiers: Orphanet 64, MedGen C0268425, MONDO:0008763, OMIM 203800.

Submission:

Labcorp Genetics (formerly Invitae), Labcorp
Classification: Uncertain significance for Alstrom syndrome. Last evaluated: 2022-01-16. Review status: criteria provided, single submitter. Criteria: Invitae Variant Classification Sherloc (09022015). Collection method: clinical testing. Allele origin: germline.
Comment: This variant, c.8672_8675delinsTCTCACT, is a complex sequence change that results in the deletion of 2 and insertion of 3 amino acid(s) in the ALMS1 protein (p.Gln2891_Ser2892delinsLeuSerLeu). This variant is not present in population databases (gnomAD no frequency). In summary, the available evidence is currently insufficient to determine the role of this variant in disease. Therefore, it has been classified as a Variant of Uncertain Significance. Experimental studies and prediction algorithms are not available or were not evaluated, and the functional significance of this variant is currently unknown. This variant has not been reported in the literature in individuals affected with ALMS1-related conditions.